The following is an entry in ClinVar:

NM_014423.4(AFF4):c.918T>C (p.Asp306=)

Gene: AFF4 (ALF transcription elongation factor 4; minus strand). Cytogenetic location: 5q31.1.
Variant type: single nucleotide variant.
Coding change: c.918T>C on transcript NM_014423.4 (MANE Select); coding-DNA position 918, T replaced by C.
Protein change: p.Asp306=; no amino-acid change (aspartic acid 306 retained).
Molecular consequence: synonymous variant.
Genome position (GRCh38, 1-based): chr5:132,934,147, A>G on the plus strand (T>C on the coding strand, the complement: AFF4 is on the minus strand). VCF-style: chr5-132934147-A-G. GRCh37 (hg19) VCF-style: chr5-132269839-A-G.
Identifiers: ClinVar variation 720624 (VCV000720624.12), dbSNP rs146532485, ClinGen allele CA3409355.

ClinVar aggregate classification (germline): Likely benign. Review status: criteria provided, single submitter (1 of 4 stars). 2 submissions from 2 submitters: Likely benign (1). 1 of the submissions does not count toward it. Last evaluated 2025-10-22.

Conditions:
Cognitive impairment - coarse facies - heart defects - obesity - pulmonary involvement - short stature - skeletal dysplasia syndrome. Also called: COGNITIVE IMPAIRMENT, COARSE FACIES, HEART DEFECTS, OBESITY, PULMONARY INVOLVEMENT, SHORT STATURE, AND SKELETAL DYSPLASIA; Chops syndrome; AFF4-Related CHOPS Syndrome. Identifiers: Orphanet 444077, MedGen C4085597, MONDO:0014609, OMIM 616368.
AFF4-related disorder. Also called: AFF4-related condition.

Allele frequency attached by ClinVar (database versions not stated): gnomAD exomes 0.00007 and 0.00022; 1000 Genomes Project 30x 0.00016; 1000 Genomes Project 0.00020; ExAC 0.00024; gnomAD 0.00061 and 0.00067; ESP Exome Variant Server 0.00069; TOPMed 0.00074.
gnomAD v4.1: 203 of 1,610,796 alleles (0.013%); highest among the groups gnomAD compares: African/African-American, 0.24%; no homozygotes.

Submissions (2):

Labcorp Genetics (formerly Invitae), Labcorp
Classification: Likely benign for Cognitive impairment - coarse facies - heart defects - obesity - pulmonary involvement - short stature - skeletal dysplasia syndrome. Last evaluated: 2025-10-22. Review status: criteria provided, single submitter. Criteria: Invitae Variant Classification Sherloc (09022015). Collection method: clinical testing. Allele origin: germline.

PreventionGenetics, part of Exact Sciences
Classification: Likely benign for AFF4-related condition. Last evaluated: 2021-08-25. Review status: no assertion criteria provided. Collection method: clinical testing. Allele origin: germline. Not counted in ClinVar's aggregate classification.
Comment: This variant is classified as likely benign based on ACMG/AMP sequence variant interpretation guidelines (Richards et al. 2015 PMID: 25741868, with internal and published modifications).